The following is an entry in ClinVar:

NM_174936.4(PCSK9):c.503C>T (p.Ala168Val)

Gene: PCSK9 (proprotein convertase subtilisin/kexin type 9; plus strand). Cytogenetic location: 1p32.3.
Variant type: single nucleotide variant.
Coding change: c.503C>T on transcript NM_174936.4 (MANE Select); coding-DNA position 503, C replaced by T.
Protein change: p.Ala168Val; replaces alanine 168 with valine.
Molecular consequence: missense variant.
Genome position (GRCh38, 1-based): chr1:55,046,626, C>T. VCF-style: chr1-55046626-C-T. GRCh37 (hg19) VCF-style: chr1-55512299-C-T.
Other names: short protein forms A168V.
Identifiers: ClinVar variation 926970 (VCV000926970.17), dbSNP rs770592607, ClinGen allele CA042580.

ClinVar aggregate classification (germline): Conflicting classifications of pathogenicity. Review status: criteria provided, conflicting classifications (1 of 4 stars). 4 submissions from 4 submitters: Uncertain significance (3); Likely benign (1). Last evaluated 2025-08-12.

Conditions:
Hypercholesterolemia, autosomal dominant, 3 (FHCL3). Also called: PCSK9-Related Familial Hypercholesterolemia, Autosomal Dominant; Familial hypercholesterolemia 3; Familial Hypercholesterolemia, Autosomal Dominant, 3. Identifiers: MedGen C1863551, MONDO:0011369, OMIM 603776.
Cardiovascular phenotype. Identifiers: MedGen CN230736.
Familial hypercholesterolemia. Also called: Familial hypercholesterolaemia; Familial hypercholesterolemias. Identifiers: MedGen C0020445, MONDO:0005439.

Allele frequency attached by ClinVar (database versions not stated): gnomAD 0.00001 and 0.00002; gnomAD exomes 0.00001; ExAC 0.00002; TOPMed 0.00003.

Submissions (4):

Ambry Genetics
Classification: Likely benign for Cardiovascular phenotype. Last evaluated: 2025-08-12. Review status: criteria provided, single submitter. Criteria: Ambry Variant Classification Scheme 2023. Collection method: clinical testing. Allele origin: germline.

Labcorp Genetics (formerly Invitae), Labcorp
Classification: Uncertain significance for Hypercholesterolemia, autosomal dominant, 3. Last evaluated: 2025-05-25. Review status: criteria provided, single submitter. Criteria: Invitae Variant Classification Sherloc (09022015). Collection method: clinical testing. Allele origin: germline.
Comment: This sequence change replaces alanine, which is neutral and non-polar, with valine, which is neutral and non-polar, at codon 168 of the PCSK9 protein (p.Ala168Val). This variant is present in population databases (rs770592607, gnomAD 0.006%). This missense change has been observed in individual(s) with clinical features of familial hypercholesterolemia (PMID: 31491741). ClinVar contains an entry for this variant (Variation ID: 926970). Invitae Evidence Modeling of protein sequence and biophysical properties (such as structural, functional, and spatial information, amino acid conservation, physicochemical variation, residue mobility, and thermodynamic stability) indicates that this missense variant is not expected to disrupt PCSK9 protein function with a negative predictive value of 95%. In summary, the available evidence is currently insufficient to determine the role of this variant in disease. Therefore, it has been classified as a Variant of Uncertain Significance.

Color Diagnostics, LLC DBA Color Health
Classification: Uncertain significance for Familial hypercholesterolemia. Last evaluated: 2024-01-16. Review status: criteria provided, single submitter. Criteria: ACMG Guidelines, 2015. Collection method: clinical testing. Allele origin: germline.
Comment: This missense variant replaces alanine with valine at codon 168 of the PCSK9 protein. Computational prediction tools indicate that this variant has a neutral impact on protein structure and function. To our knowledge, functional studies have not been reported for this variant. This variant has been reported in two individuals affected with familial hypercholesterolemia (PMID: 31491741). This variant has been identified in 3/282534 chromosomes in the general population by the Genome Aggregation Database (gnomAD). The available evidence is insufficient to determine the role of this variant in disease conclusively. Therefore, this variant is classified as a Variant of Uncertain Significance.

All of Us Research Program, National Institutes of Health
Classification: Uncertain significance for Hypercholesterolemia, autosomal dominant, 3. Last evaluated: 2024-01-11. Review status: criteria provided, single submitter. Criteria: ACMG Guidelines, 2015. Collection method: clinical testing. Allele origin: germline. Inheritance: Autosomal dominant inheritance. Observed: 3 variant alleles, 3 heterozygotes.
Comment: This missense variant replaces alanine with valine at codon 168 of the PCSK9 protein. Computational prediction tool suggests that this variant may not impact protein structure and function (internally defined REVEL score threshold <=0.5, PMID: 27666373). Splice site prediction tools suggest that this variant may not impact RNA splicing. To our knowledge, functional studies have not been performed for this variant. This variant has not been reported in individuals affected with familial hypercholesterolemia in the literature. This variant has been identified in 3/282534 chromosomes in the general population by the Genome Aggregation Database (gnomAD). The available evidence is insufficient to determine the role of this variant in disease conclusively. Therefore, this variant is classified as a Variant of Uncertain Significance.

This study involves interpretation of variants in research participants for the purpose of population health screening. Participant phenotype was not available at the time of variant classification. Additional details can be found in publication PMID: 35346344, PMCID: PMC8962531

Literature cited by the submitters: PubMed 31491741 (cited by 3 submitters).